The following is an entry in ClinVar:

NM_001142800.2(EYS):c.5504C>T (p.Ser1835Leu)

Gene: EYS (eyes shut homolog; minus strand). Cytogenetic location: 6q12.
Variant type: single nucleotide variant.
Coding change: c.5504C>T on transcript NM_001142800.2 (MANE Select); coding-DNA position 5504, C replaced by T.
Protein change: p.Ser1835Leu; replaces serine 1835 with leucine.
Molecular consequence: missense variant.
Genome position (GRCh38, 1-based): chr6:64,590,363, G>A on the plus strand (C>T on the coding strand, the complement: EYS is on the minus strand). VCF-style: chr6-64590363-G-A. GRCh37 (hg19) VCF-style: chr6-65300256-G-A.
Other names: c.5504C>T, p.Ser1835Leu (NM_001292009.2); short protein forms S1835L.
Identifiers: ClinVar variation 2191299 (VCV002191299.1), dbSNP rs775194606, ClinGen allele CA3877012.
Genomic context (GRCh38, chr6:64,590,363, plus strand): 5'-CTTGCAGTGGGAAATTCCTGATATTGCACACTAGGCTGAAGTTCCCATTTGGACCATTCT[G>A]AAGAAGTCTTGACCTCTTTTTTAAGAGAGGTCATATAATCTGTAAAATATGGCCAATCTG-3'
Protein context (NP_001136272.1, residues 1825-1845): TSLKKEVKTS[Ser1835Leu]EWSKWELQPS

ClinVar aggregate classification (germline): Uncertain significance (1 of 4 stars; one submission).

Allele frequency attached by ClinVar (database versions not stated): ExAC 0.00005.

Submission:

Labcorp Genetics (formerly Invitae), Labcorp
Classification: Uncertain significance. Last evaluated: 2022-09-01. Review status: criteria provided, single submitter. Criteria: Invitae Variant Classification Sherloc (09022015). Collection method: clinical testing. Allele origin: germline.
Comment: This sequence change replaces serine, which is neutral and polar, with leucine, which is neutral and non-polar, at codon 1835 of the EYS protein (p.Ser1835Leu). The frequency data for this variant in the population databases is considered unreliable, as metrics indicate poor data quality at this position in the gnomAD database. This variant has not been reported in the literature in individuals affected with EYS-related conditions. Algorithms developed to predict the effect of missense changes on protein structure and function output the following: SIFT: "Tolerated"; PolyPhen-2: "Possibly Damaging"; Align-GVGD: "Class C0". The leucine amino acid residue is found in multiple mammalian species, which suggests that this missense change does not adversely affect protein function. In summary, the available evidence is currently insufficient to determine the role of this variant in disease. Therefore, it has been classified as a Variant of Uncertain Significance.